The following is an entry in ClinVar:

ClinVar aggregate classification (germline): Likely benign (1 of 4 stars; one submission).

Allele frequency attached by ClinVar (database versions not stated): gnomAD 0.00001; gnomAD exomes 0.00001 and 0.00002; ExAC 0.00002; TOPMed 0.00002.
gnomAD v4.1: 28 of 1,613,872 alleles (0.0017%); highest among the groups gnomAD compares: Non-Finnish European, 0.0023%; no homozygotes.

Submission:

Laboratory for Molecular Medicine, Mass General Brigham Personalized Medicine
Classification: Likely benign. Last evaluated: 2019-01-22. Review status: criteria provided, single submitter. Criteria: LMM Criteria. Collection method: clinical testing. Allele origin: germline. Observed: 1 variant allele.
Comment: The p.Val1064Met variant in LTBP4 is classified as likely benign due to a lack of conservation across species. Ten mammals carry a methionine (Met) at this position despite high nearby amino acid conservation. In addition, computational prediction tools predict that this variant does not impact the protein. It has been identified in 3/248954 of chromosomes by gnomAD. ACMG/AMP Criteria applied: BP4_Strong.

Literature cited by the submitters: PubMed 30089473.

NM_001042545.2(LTBP4):c.2989G>A (p.Val997Met)

Gene: LTBP4 (latent transforming growth factor beta binding protein 4; plus strand). Cytogenetic location: 19q13.2.
Variant type: single nucleotide variant.
Coding change: c.2989G>A on transcript NM_001042545.2 (MANE Select); coding-DNA position 2989, G replaced by A.
Protein change: p.Val997Met; replaces valine 997 with methionine.
Molecular consequence: missense variant.
Genome position (GRCh38, 1-based): chr19:40,617,144, G>A. VCF-style: chr19-40617144-G-A. GRCh37 (hg19) VCF-style: chr19-41123050-G-A.
Other names: c.3190G>A, p.Val1064Met (NM_001042544.1); c.3079G>A, p.Val1027Met (NM_003573.2); short protein forms V1027M, V997M, V1064M.
Identifiers: ClinVar variation 666712 (VCV000666712.5), dbSNP rs748078658, ClinGen allele CA9448865.